The following is an entry in ClinVar:

NM_015272.5(RPGRIP1L):c.528del (p.Gly177fs)

Gene: RPGRIP1L (RPGRIP1 like; minus strand). Cytogenetic location: 16q12.2.
Variant type: Deletion.
Coding change: c.528del on transcript NM_015272.5 (MANE Select); coding-DNA position 528, one base deleted (A; older notation c.528delA).
Protein change: p.Gly177fs; shifts the reading frame from glycine 177.
Molecular consequence: frameshift variant.
Genome position (GRCh38, 1-based): chr16:53,692,067, T deleted on the plus strand (A on the coding strand, the reverse complement: RPGRIP1L is on the minus strand); the first of 3 consecutive T bases (chr16:53,692,067-53,692,069); deleting any one gives the same sequence. VCF-style (leftmost placement, unchanged base first): chr16-53692066-CT-C. GRCh37 (hg19) VCF-style: chr16-53725978-CT-C.
Other names: c.528del, p.Gly177fs (NM_001127897.4, NM_001308334.3, NM_001330538.2); short protein forms G177fs.
Identifiers: ClinVar variation 1075586 (VCV001075586.7), dbSNP rs1970421631, ClinGen allele CA2223281264.

ClinVar aggregate classification (germline): Pathogenic (1 of 4 stars; one submission).

Conditions:
Joubert syndrome. Also called: Familial aplasia of the vermis; CEREBELLOPARENCHYMAL DISORDER IV; JOUBERT-BOLTSHAUSER SYNDROME. Identifiers: Orphanet 475, MedGen C5979921, MONDO:0018772.
Meckel-Gruber syndrome. Also called: Dysencephalia splachnocystica; DYSENCEPHALIA SPLANCHNOCYSTICA; GRUBER SYNDROME. Identifiers: Orphanet 564, MedGen C0265215, MONDO:0018921.

Submission:

Labcorp Genetics (formerly Invitae), Labcorp
Classification: Pathogenic for Joubert syndrome; Meckel-Gruber syndrome. Last evaluated: 2024-03-30. Review status: criteria provided, single submitter. Criteria: Invitae Variant Classification Sherloc (09022015). Collection method: clinical testing. Allele origin: germline.
Comment: This sequence change creates a premature translational stop signal (p.Gly177Valfs*2) in the RPGRIP1L gene. It is expected to result in an absent or disrupted protein product. Loss-of-function variants in RPGRIP1L are known to be pathogenic (PMID: 17558409). This variant is not present in population databases (gnomAD no frequency). This variant has not been reported in the literature in individuals affected with RPGRIP1L-related conditions. ClinVar contains an entry for this variant (Variation ID: 1075586). For these reasons, this variant has been classified as Pathogenic.

Literature cited by the submitters: PubMed 17558409.